The following is an entry in ClinVar:

NM_004360.5(CDH1):c.*1662G>C

Gene: CDH1 (cadherin 1; plus strand). Cytogenetic location: 16q22.1.
Variant type: single nucleotide variant.
Coding change: c.*1662G>C on transcript NM_004360.5 (MANE Select); 1662 bases downstream of the stop codon, G replaced by C.
Molecular consequence: 3 prime UTR variant.
Genome position (GRCh38, 1-based): chr16:68,835,161, G>C. VCF-style: chr16-68835161-G-C. GRCh37 (hg19) VCF-style: chr16-68869064-G-C.
Other names: c.*1662G>C (NM_001317184.2, NM_001317185.2, NM_001317186.2 and 1 more transcripts).
Identifiers: ClinVar variation 320296 (VCV000320296.8), dbSNP rs33967108, ClinGen allele CA10644121.
Genomic context (GRCh38, chr16:68,835,161, plus strand): 5'-ACAGAAAACCGAGAATATTCAAAATTCCAAATTTTTTTCTTAGGAGCAAGAAGAAAATGT[G>C]GCCCTAAAGGGGGTTAGTTGAGGGGTAGGGGGTAGTGAGGATCTTGATTTGGATCTCTTT-3'

ClinVar aggregate classification (germline): Benign. Review status: reviewed by expert panel (3 of 4 stars). 2 submissions from 2 submitters: Benign (1). 1 of the submissions does not count toward it. Last evaluated 2023-08-10.

Conditions:
CDH1-related diffuse gastric and lobular breast cancer syndrome. Also called: CDH1-related diffuse gastric and lobular breast cancer. Identifiers: MedGen CN311521, MONDO:0100488.
Hereditary diffuse gastric adenocarcinoma (HDGC). Also called: DIFFUSE GASTRIC AND LOBULAR BREAST CANCER SYNDROME. Identifiers: Orphanet 26106, MedGen C1708349, MONDO:0007648, OMIM 137215.

Allele frequency attached by ClinVar (database versions not stated): gnomAD exomes 0.00091; 1000 Genomes Project 0.00459; 1000 Genomes Project 30x 0.00468; gnomAD 0.00565 and 0.00618; TOPMed 0.00639.
gnomAD v4.1: 935 of 231,446 alleles (0.4%); highest among the groups gnomAD compares: African/African-American, 1.9%; 12 homozygotes.

Submissions (2):

Clingen Gastric Cancer Variant Curation Expert Panel
Classification: Benign for CDH1-related diffuse gastric and lobular breast cancer syndrome. Last evaluated: 2023-08-10. Review status: reviewed by expert panel. Criteria: ClinGen CDH1 ACMG Specifications V3.1. Collection method: curation. Allele origin: germline. Inheritance: Autosomal dominant inheritance.
Comment: The NM_004360.5(CDH1):c.*1662G>C variant has an allele frequency of 0.02032 (2%, 177/8712 alleles, 3 homozygotes) in the African subpopulation of the gnomAD v2.1.1 cohort (BA1; BP2). Therefore, this variant meets criteria to be classified as benign. ACMG/AMP criteria applied, as specified by the CDH1 Variant Curation Expert Panel (Variant Interpretation Guidelines Version 3.1): BA1, BP2.

Illumina Laboratory Services, Illumina
Classification: Benign for Hereditary diffuse gastric adenocarcinoma. Last evaluated: 2018-01-12. Review status: criteria provided, single submitter. Criteria: ICSL Variant Classification Criteria 13 December 2019. Collection method: clinical testing. Allele origin: germline. Not counted in ClinVar's aggregate classification.
Comment: This variant was observed in the ICSL laboratory as part of a predisposition screen in an ostensibly healthy population. It had not been previously curated by ICSL or reported in the Human Gene Mutation Database (HGMD: prior to June 1st, 2018), and was therefore a candidate for classification through an automated scoring system. Utilizing variant allele frequency, disease prevalence and penetrance estimates, and inheritance mode, an automated score was calculated to assess if this variant is too frequent to cause the disease. Based on the score and internal cut-off values, a variant classified as benign is not then subjected to further curation. The score for this variant resulted in a classification of benign for this disease.